The following is an entry in ClinVar:

NM_001292063.2(OTOG):c.2453_2454insAACTGGACACCC (p.Tyr818Ter)

Gene: OTOG (otogelin; plus strand). Cytogenetic location: 11p15.1.
Variant type: Insertion.
Coding change: c.2453_2454insAACTGGACACCC on transcript NM_001292063.2 (MANE Select); coding-DNA positions 2453 to 2454, AACTGGACACCC inserted.
Protein change: p.Tyr818Ter; replaces tyrosine 818 with a stop codon.
Molecular consequence: nonsense.
Genome position: GRCh38 VCF-style: chr11-17574879-A-AAACTGGACACCC. GRCh37 (hg19) VCF-style: chr11-17596426-A-AAACTGGACACCC.
Other names: c.2489_2490insAACTGGACACCC, p.Tyr830Ter (NM_001277269.2); short protein forms Y830*, Y818*.
Identifiers: ClinVar variation 4981358 (VCV004981358.1).

ClinVar aggregate classification (germline): Pathogenic (1 of 4 stars; one submission).

Conditions:
OTOG-related disorder. Also called: OTOG-related condition.

Submission:

PreventionGenetics, part of Exact Sciences
Classification: Pathogenic for OTOG-related condition. Last evaluated: 2025-03-05. Review status: criteria provided, single submitter. Criteria: ACMG Guidelines, 2015. Collection method: clinical testing. Allele origin: germline.
Comment: The OTOG c.2489_2490insAACTGGACACCC variant is predicted to result in premature protein termination (p.Tyr830*). To our knowledge, this variant has not been reported in the literature but has been reported in ClinVar as homozygous in one individual with mild to moderate hearing loss. This variant is reported in 0.042% of alleles in individuals of Latino descent in gnomAD. Nonsense variants in OTOG are expected to be pathogenic. This variant is interpreted as pathogenic.